The following is an entry in ClinVar:

NM_024675.4(PALB2):c.3113+12C>A

Gene: PALB2 (partner and localizer of BRCA2; minus strand). Cytogenetic location: 16p12.2.
Variant type: single nucleotide variant.
Coding change: c.3113+12C>A on transcript NM_024675.4 (MANE Select); 12 bases into the intron after coding-DNA position 3113, C replaced by A.
Molecular consequence: intron variant.
Genome position (GRCh38, 1-based): chr16:23,621,350, G>T on the plus strand (C>A on the coding strand, the complement: PALB2 is on the minus strand). VCF-style: chr16-23621350-G-T. GRCh37 (hg19) VCF-style: chr16-23632671-G-T.
Identifiers: ClinVar variation 389265 (VCV000389265.2), dbSNP rs1057523380, ClinGen allele CA16607198.
Genomic context (GRCh38, chr16:23,621,350, plus strand): 5'-CAACCCTGTAAAATTAGAGGTATATCCTCATACTACAGATGAGGGAACTGAGGACCTAGA[G>T]GGAAAGCTTACCAAATAACAATGTTGTTCATAATAGTAGTACCAAGCAGAGCTTCTTGCA-3'

ClinVar aggregate classification (germline): Likely benign. Review status: criteria provided, multiple submitters, no conflicts (2 of 4 stars). 2 submissions from 2 submitters: Likely benign (2). Last evaluated 2023-10-02.

Conditions:
PALB2-related cancer predisposition. Identifiers: MedGen CN377761, MONDO:0700272.

Submissions (2):

Department of Pathology and Laboratory Medicine, Sinai Health System
Classification: Likely benign for PALB2-related cancer predisposition. Last evaluated: 2023-10-02. Review status: criteria provided, single submitter. Criteria: ACMG Guidelines, 2015. Collection method: clinical testing. Allele origin: germline. Affected: no.

GeneDx
Classification: Likely benign. Last evaluated: 2016-09-12. Review status: criteria provided, single submitter. Criteria: GeneDx Variant Classification (06012015). Collection method: clinical testing. Allele origin: germline. Affected: yes.
Comment: This variant is considered likely benign or benign based on one or more of the following criteria: it is a conservative change, it occurs at a poorly conserved position in the protein, it is predicted to be benign by multiple in silico algorithms, and/or has population frequency not consistent with disease.